The following is an entry in ClinVar:

NM_001005361.3(DNM2):c.2479G>A (p.Ala827Thr)

Gene: DNM2 (dynamin 2; plus strand). Cytogenetic location: 19p13.2.
Variant type: single nucleotide variant.
Coding change: c.2479G>A on transcript NM_001005361.3 (MANE Select); coding-DNA position 2479, G replaced by A.
Protein change: p.Ala827Thr; replaces alanine 827 with threonine.
Molecular consequence: missense variant.
Genome position (GRCh38, 1-based): chr19:10,830,314, G>A. VCF-style: chr19-10830314-G-A. GRCh37 (hg19) VCF-style: chr19-10940990-G-A.
Other names: c.2479G>A, p.Ala827Thr (NM_001005360.3, NM_001190716.2); c.2467G>A, p.Ala823Thr (NM_001005362.3, NM_004945.4); short protein forms A827T, A823T.
Identifiers: ClinVar variation 663455 (VCV000663455.12), dbSNP rs1599641452, ClinGen allele CA404044198.

ClinVar aggregate classification (germline): Uncertain significance. Review status: criteria provided, multiple submitters, no conflicts (2 of 4 stars). 2 submissions from 2 submitters: Uncertain significance (2). Last evaluated 2024-10-18.

Conditions:
Charcot-Marie-Tooth disease dominant intermediate B (CMTDIB). Also called: CHARCOT-MARIE-TOOTH NEUROPATHY, DOMINANT INTERMEDIATE B; Charcot-Marie-Tooth disease dominant intermediate 1; CMT DI1; Charcot-Marie-Tooth disease dominant intermediate I. Identifiers: Orphanet 100044, Orphanet 228179, MedGen C1847902, MONDO:0011674, OMIM 606482.

Allele frequency attached by ClinVar (database versions not stated): gnomAD exomes below 0.00001; TOPMed below 0.00001.

Submissions (2):

Labcorp Genetics (formerly Invitae), Labcorp
Classification: Uncertain significance for Charcot-Marie-Tooth disease dominant intermediate B. Last evaluated: 2024-10-18. Review status: criteria provided, single submitter. Criteria: Invitae Variant Classification Sherloc (09022015). Collection method: clinical testing. Allele origin: germline.
Comment: This sequence change replaces alanine, which is neutral and non-polar, with threonine, which is neutral and polar, at codon 827 of the DNM2 protein (p.Ala827Thr). This variant is not present in population databases (gnomAD no frequency). This variant has not been reported in the literature in individuals affected with DNM2-related conditions. ClinVar contains an entry for this variant (Variation ID: 663455). Invitae Evidence Modeling of protein sequence and biophysical properties (such as structural, functional, and spatial information, amino acid conservation, physicochemical variation, residue mobility, and thermodynamic stability) indicates that this missense variant is not expected to disrupt DNM2 protein function with a negative predictive value of 95%. Algorithms developed to predict the effect of sequence changes on RNA splicing suggest that this variant may create or strengthen a splice site. In summary, the available evidence is currently insufficient to determine the role of this variant in disease. Therefore, it has been classified as a Variant of Uncertain Significance.

GeneDx
Classification: Uncertain significance. Last evaluated: 2022-10-27. Review status: criteria provided, single submitter. Criteria: GeneDx Variant Classification Process June 2021. Collection method: clinical testing. Allele origin: germline. Affected: yes.
Comment: Not observed at significant frequency in large population cohorts (gnomAD); Missense variants in this gene are often considered pathogenic (HGMD); In silico analysis supports that this missense variant does not alter protein structure/function; In silico analysis suggests this variant may impact gene splicing. In the absence of RNA/functional studies, the actual effect of this sequence change is unknown.; Has not been previously published as pathogenic or benign to our knowledge; This variant is associated with the following publications: (PMID: 16227997)